The following is an entry in ClinVar:

NM_007078.3(LDB3):c.793C>T (p.Arg265Cys)

Gene: LDB3 (LIM domain binding 3; plus strand). Cytogenetic location: 10q23.2.
Variant type: single nucleotide variant.
Coding change: c.793C>T on transcript NM_007078.3 (MANE Select); coding-DNA position 793, C replaced by T.
Protein change: p.Arg265Cys; replaces arginine 265 with cysteine.
Molecular consequence: missense variant.
Genome position (GRCh38, 1-based): chr10:86,691,999, C>T. VCF-style: chr10-86691999-C-T. GRCh37 (hg19) VCF-style: chr10-88451756-C-T.
Other names: p.R265C:CGC>TGC; c.652C>T, p.Arg218Cys (NM_001080114.2, NM_001368066.1, NM_001368067.1 and 2 more transcripts); c.793C>T, p.Arg265Cys (NM_001080115.2, NM_001368063.1, NM_001368064.1 and 1 more transcripts); c.997C>T, p.Arg333Cys (NM_001171610.2, NM_001171611.2); c.997C>T (NM_001171610.1); short protein forms R218C, R265C, R333C.
Identifiers: ClinVar variation 45555 (VCV000045555.25), dbSNP rs45521338, ClinGen allele CA136631.

ClinVar aggregate classification (germline): Conflicting classifications of pathogenicity. Review status: criteria provided, conflicting classifications (1 of 4 stars). 11 submissions from 11 submitters: Uncertain significance (8); Likely benign (3). Last evaluated 2025-12-14.

Conditions:
Cardiovascular phenotype. Identifiers: MedGen CN230736.
Myofibrillar myopathy 4. Also called: Zaspopathy (type). Identifiers: Orphanet 98912, MedGen C4721886, MONDO:0012277, OMIM 609452.
Dilated cardiomyopathy 1C (CMD1C). Also called: CARDIOMYOPATHY, DILATED, 1C, WITH OR WITHOUT LEFT VENTRICULAR NONCOMPACTION; Cardiomyopathy, dilated, 1C, with or without LVNC. Identifiers: Orphanet 154, Orphanet 54260, MedGen C1832244, MONDO:0011094, OMIM 601493.

Allele frequency attached by ClinVar (database versions not stated): 1000 Genomes Project 0.00040; gnomAD exomes 0.00004 and 0.00015; gnomAD 0.00006 and 0.00005; 1000 Genomes Project 30x 0.00031; TOPMed 0.00010; ESP Exome Variant Server 0.00008; ExAC 0.00012.
gnomAD v4.1: 70 of 1,614,180 alleles (0.0043%); highest among the groups gnomAD compares: Admixed American, 0.037%; no homozygotes.

Submissions (11):

Labcorp Genetics (formerly Invitae), Labcorp
Classification: Uncertain significance for Myofibrillar myopathy 4. Last evaluated: 2025-12-14. Review status: criteria provided, single submitter. Criteria: Invitae Variant Classification Sherloc (09022015). Collection method: clinical testing. Allele origin: germline.
Comment: This sequence change replaces arginine, which is basic and polar, with cysteine, which is neutral and slightly polar, at codon 218 of the LDB3 protein (p.Arg218Cys). This variant is present in population databases (rs45521338, gnomAD 0.08%). This missense change has been observed in individual(s) with congentital left ventricular aneurysm and left ventricular trabeculation (PMID: 28821295). This variant is also known as c.793C>T, p.Arg265Cys. ClinVar contains an entry for this variant (Variation ID: 45555). An algorithm developed to predict the effect of missense changes on protein structure and function (PolyPhen-2) suggests that this variant is likely to be tolerated. In summary, the available evidence is currently insufficient to determine the role of this variant in disease. Therefore, it has been classified as a Variant of Uncertain Significance.

ARUP Laboratories, Molecular Genetics and Genomics, ARUP Laboratories
Classification: Uncertain significance. Last evaluated: 2025-04-21. Review status: criteria provided, single submitter. Criteria: ARUP Molecular Germline Variant Investigation Process 2024. Collection method: clinical testing. Allele origin: germline.
Comment: The LDB3 c.793C>T; p.Arg265Cys variant (rs45521338, ClinVar Variation ID 45555) is reported in the literature in one individual with paroxysmal sinus tachycardia and abnormal Q waves, but without any evidence of causality (Shan 2017). This variant is found in the general population with an overall allele frequency of 0.01% (37/251420 alleles) in the Genome Aggregation Database (v2.1.1). Computational analyses are uncertain whether this variant is neutral or deleterious (REVEL: 0.244). Due to limited information, the clinical significance of this variant is uncertain at this time. References: Shan S et al. Coexistence of congenital left ventricular aneurysm and prominent left ventricular trabeculation in a patient with LDB3 mutation: a case report. J Med Case Rep. 2017 Aug 19. PMID: 28821295.

Blueprint Genetics
Classification: Likely benign. Last evaluated: 2024-09-03. Review status: criteria provided, single submitter. Criteria: ACMG Guidelines, 2015. Collection method: clinical testing. Allele origin: germline.

Fulgent Genetics
Classification: Uncertain significance for Dilated cardiomyopathy 1C; Myofibrillar myopathy 4. Last evaluated: 2024-04-03. Review status: criteria provided, single submitter. Criteria: ACMG Guidelines, 2015. Collection method: clinical testing. Allele origin: germline.

Women's Health and Genetics/Laboratory Corporation of America, LabCorp
Classification: Likely benign. Last evaluated: 2023-11-20. Review status: criteria provided, single submitter. Criteria: LabCorp Variant Classification Summary - May 2015. Collection method: clinical testing. Allele origin: germline.
Comment: Variant summary: LDB3 c.793C>T (p.Arg265Cys) results in a non-conservative amino acid change located in the PDZ and LIM domain protein 1-4/Zasp-like, middle domain (IPR031847) of the encoded protein sequence. Three of five in-silico tools predict a benign effect of the variant on protein function. The variant allele was found at a frequency of 0.00015 in 251420 control chromosomes, predominantly at a frequency of 0.00082 within the East Asian subpopulation in the gnomAD database. The observed variant frequency within East Asian control individuals in the gnomAD database is approximately 33-fold of the estimated maximal expected allele frequency for a pathogenic variant in LDB3 causing Cardiomyopathy phenotype (2.5e-05), strongly suggesting that the variant is a benign polymorphism found primarily in populations of East Asian origin. These report(s) do not provide unequivocal conclusions about association of the variant with Cardiomyopathy. To our knowledge, no experimental evidence demonstrating an impact on protein function has been reported. The following publications have been ascertained in the context of this evaluation (PMID: 23861362, 28821295, 35284542). Five submitters have cited clinical-significance assessments for this variant to ClinVar after 2014, classifying the variant as likely benign (n=1) or uncertain sinificance (n=4). Based on the evidence outlined above, the variant was classified as likely benign.

Ambry Genetics
Classification: Likely benign for Cardiovascular phenotype. Last evaluated: 2022-04-12. Review status: criteria provided, single submitter. Criteria: Ambry Variant Classification Scheme 2023. Collection method: clinical testing. Allele origin: germline.

Victorian Clinical Genetics Services, Murdoch Childrens Research Institute
Classification: Uncertain significance for Dilated cardiomyopathy 1C. Last evaluated: 2022-02-02. Review status: criteria provided, single submitter. Criteria: ACMG Guidelines, 2015. Collection method: clinical testing. Allele origin: germline. Inheritance: Autosomal dominant inheritance. Affected: yes.
Comment: Based on the classification scheme VCGS_Germline_v1.3.4, this variant is classified as VUS-3C. Following criteria are met: 0102 - Loss of function is the proposed mechanism of disease in this gene associated with missense variants and is associated with dilated cardiomyopathy 1C, with or without LVNC (MIM#601493), hypertrophic cardiomyopathy 24 (MIM#601493), left ventricular noncompaction 3 (MIM#601493) and myofibrillar myopathy 4 (MIM#609452) (PMID: 19377068). (I) 0107 - This gene is associated with autosomal dominant disease. (I) 0200 - Variant is predicted to result in a missense amino acid change from arginine to cysteine. (I) 0251 - This variant is heterozygous. (I) 0302 - Variant is present in gnomAD (v2) <0.001 for a dominant condition (37 heterozygotes, 0 homozygotes). (SP) 0309 - An alternative amino acid change at the same position has been observed in gnomAD (v2) (36 heterozygotes, 0 homozygotes). (I) 0501 - Missense variant consistently predicted to be damaging by multiple in silico tools or highly conserved with a major amino acid change. (SP) 0600 - Variant is located in the annotated DUF4749 domain (NCBI). (I) 0710 - Another missense variant comparable to the one identified in this case has inconclusive previous evidence for pathogenicity. An alternative change to a histidine has conflicting reports of likely benign and VUS in ClinVar. (I) 0808 - Previous reports of pathogenicity for this variant are conflicting. This variant has been reported as likely pathogenic in an individual with congenital left ventricular aneurysm and prominent left ventricular trabeculation (PMID: 28821295). It is also reported as VUS in another individual with cardiomyopathy (PMID: 23861362). In addition, conflicting reports of likely benign and VUS are listed in ClinVar. (I) 0905 - No published segregation evidence has been identified for this variant. (I) 1007 - No published functional evidence has been identified for this variant. (I) 1208 - Inheritance information for this variant is not currently available in this individual. (I) Legend: (SP) - Supporting pathogenic, (I) - Information, (SB) - Supporting benign

Revvity Omics, Revvity
Classification: Uncertain significance. Last evaluated: 2022-01-18. Review status: criteria provided, single submitter. Criteria: ACMG Guidelines, 2015. Collection method: clinical testing. Allele origin: germline.

GeneDx
Classification: Uncertain significance. Last evaluated: 2019-05-17. Review status: criteria provided, single submitter. Criteria: GeneDx Variant Classification Process June 2021. Collection method: clinical testing. Allele origin: germline. Affected: yes.
Comment: In silico analysis, which includes protein predictors and evolutionary conservation, supports a deleterious effect; This variant is associated with the following publications: (PMID: 23861362, 20474083, 28821295)

Biesecker Lab/Clinical Genomics Section, National Institutes of Health
Classification: Uncertain significance. Last evaluated: 2013-06-24. Review status: criteria provided, single submitter. Criteria: Ng et al. (Circ Cardiovasc Genet. 2013). Collection method: research. Allele origin: unknown. Observed: 1 variant allele. Study: ClinSeq.
Comment: The study set was not selected for affection status in relation to any cancer. Pathogenicity categories were based on literature curation. See Pubmed ID:23861362 for details.

Medical sequencing

Laboratory for Molecular Medicine, Mass General Brigham Personalized Medicine
Classification: Uncertain significance. Last evaluated: 2012-08-03. Review status: criteria provided, single submitter. Criteria: LMM Criteria. Collection method: clinical testing. Allele origin: germline. Observed: 1 variant allele.
Comment: The Arg265Cys variant in LDB3 has been identified in 0.5% (2/394) of Chinese chr omosomes from a broad population by the 1000 Genomes Project (dbSNP rs45521338) and in 1/4406 African American chromosomes from a broad population by the NHLBI Exome Sequencing Project. Although detection of this variant in these populations raises the possibility that this variant ma y be benign, it cannot be ruled out that these individuals are not presymptomati c. Computational analyses (biochemical amino acid properties, conservation, Alig nGVGD, PolyPhen2, and SIFT) suggest that this variant may impact the protein, th ough this information is not predictive enough to determine pathogenicity. Addit ional information is needed to fully assess the clinical significance of this va riant.

Literature cited by the submitters: PubMed 28821295 (cited by 4 submitters); PubMed 23861362 (cited by 3 submitters); PubMed 35284542 (cited by Women's Health and Genetics/Laboratory Corporation of America, LabCorp and Ambry Genetics); PubMed 19377068 (cited by Victorian Clinical Genetics Services, Murdoch Childrens Research Institute).